The following is an entry in ClinVar:

NM_000620.5(NOS1):c.721G>A (p.Asp241Asn)

Gene: NOS1 (nitric oxide synthase 1; minus strand). Cytogenetic location: 12q24.22.
Variant type: single nucleotide variant.
Coding change: c.721G>A on transcript NM_000620.5 (MANE Select); coding-DNA position 721, G replaced by A.
Protein change: p.Asp241Asn; replaces aspartic acid 241 with asparagine.
Molecular consequence: missense variant.
Genome position (GRCh38, 1-based): chr12:117,330,349, C>T on the plus strand (G>A on the coding strand, the complement: NOS1 is on the minus strand). VCF-style: chr12-117330349-C-T. GRCh37 (hg19) VCF-style: chr12-117768154-C-T.
Other names: NC_000012.11:g.117768154C>T; c.721G>A (NM_001204218.1); c.721G>A, p.Asp241Asn (NM_001204218.2); short protein forms D241N.
Identifiers: ClinVar variation 790463 (VCV000790463.21), dbSNP rs76090928, ClinGen allele CA6815393.

ClinVar aggregate classification (germline): Benign/Likely benign. Review status: criteria provided, multiple submitters, no conflicts (2 of 4 stars). 4 submissions from 4 submitters: Benign (1); Likely benign (2). 1 of the submissions does not count toward it. Last evaluated 2024-09-01.

Conditions:
NOS1-related disorder. Also called: NOS1-related condition.

Allele frequency attached by ClinVar (database versions not stated): 1000 Genomes Project 0.00040; 1000 Genomes Project 30x 0.00047; gnomAD 0.00195 and 0.00206; gnomAD exomes 0.00202 and 0.00271; ExAC 0.00208; ESP Exome Variant Server 0.00271; TOPMed 0.00277.

Submissions (5):

CeGaT Center for Human Genetics Tuebingen
Classification: Benign. Last evaluated: 2024-09-01. Review status: criteria provided, single submitter. Criteria: CeGaT Center For Human Genetics Tuebingen Variant Classification Criteria Version 2. Collection method: clinical testing. Allele origin: germline. Affected: yes. Observed: 1 variant allele.
Comment: NOS1: PP2, BP4, BS1, BS2

Labcorp Genetics (formerly Invitae), Labcorp
Classification: Likely benign. Last evaluated: 2019-12-31. Review status: criteria provided, single submitter. Criteria: Invitae Variant Classification Sherloc (09022015). Collection method: clinical testing. Allele origin: germline.

Breakthrough Genomics
Classification: Likely benign. Review status: criteria provided, single submitter. Criteria: ACMG Guidelines, 2015. Collection method: not provided. Allele origin: germline. Inheritance: Unknown mechanism. Affected: yes.

PreventionGenetics, part of Exact Sciences
Classification: Likely benign for NOS1-related condition. Last evaluated: 2019-10-29. Review status: no assertion criteria provided. Collection method: clinical testing. Allele origin: germline. Not counted in ClinVar's aggregate classification.
Comment: This variant is classified as likely benign based on ACMG/AMP sequence variant interpretation guidelines (Richards et al. 2015 PMID: 25741868, with internal and published modifications).

Dr. Peter K. Rogan Lab, Western University
No classification provided (evidence only). Condition: Sarcoma. Review status: no classification provided. Collection method: in vitro. Allele origin: not applicable. Functional consequence: retained intron. Not counted in ClinVar's aggregate classification.